The following is an entry in ClinVar:

ClinVar aggregate classification (germline): Uncertain significance (1 of 4 stars; one submission).

Conditions:
Hereditary cancer-predisposing syndrome. Also called: Hereditary neoplastic syndrome; Neoplastic Syndromes, Hereditary; Tumor predisposition; Hereditary Cancer Syndrome. Identifiers: Orphanet 140162, MedGen C0027672, MeSH D009386, MONDO:0015356.

Submission:

Ambry Genetics
Classification: Uncertain significance for Hereditary cancer-predisposing syndrome. Last evaluated: 2024-12-31. Review status: criteria provided, single submitter. Criteria: Ambry Variant Classification Scheme 2023. Collection method: clinical testing. Allele origin: germline.
Comment: The p.F39L variant (also known as c.117T>G), located in coding exon 2 of the EPCAM gene, results from a T to G substitution at nucleotide position 117. The phenylalanine at codon 39 is replaced by leucine, an amino acid with highly similar properties. This amino acid position is conserved. In addition, this alteration is predicted to be tolerated by in silico analysis. Based on the available evidence, the clinical significance of this variant remains unclear.

NM_002354.3(EPCAM):c.117T>G (p.Phe39Leu)

Gene: EPCAM (epithelial cell adhesion molecule; plus strand). Cytogenetic location: 2p21.
Variant type: single nucleotide variant.
Coding change: c.117T>G on transcript NM_002354.3 (MANE Select); coding-DNA position 117, T replaced by G.
Protein change: p.Phe39Leu; replaces phenylalanine 39 with leucine.
Molecular consequence: missense variant.
Genome position (GRCh38, 1-based): chr2:47,373,503, T>G. VCF-style: chr2-47373503-T-G. GRCh37 (hg19) VCF-style: chr2-47600642-T-G.
Other names: short protein forms F39L.
Identifiers: ClinVar variation 3845290 (VCV003845290.1).